The following is an entry in ClinVar:

ClinVar aggregate classification (germline): Uncertain significance (1 of 4 stars; one submission).

Submission:

GeneDx
Classification: Uncertain significance. Last evaluated: 2025-06-02. Review status: criteria provided, single submitter. Criteria: GeneDx Variant Classification Process June 2021. Collection method: clinical testing. Allele origin: germline. Affected: yes.
Comment: Not observed at significant frequency in large population cohorts (gnomAD); In silico analysis suggests that this missense variant does not alter protein structure/function; Has not been previously published as pathogenic or benign to our knowledge

NM_130839.5(UBE3A):c.503A>G (p.Lys168Arg)

Genes: SNHG14 (small nucleolar RNA host gene 14; plus strand), UBE3A (ubiquitin protein ligase E3A; minus strand). Cytogenetic location: 15q11.2.
Variant type: single nucleotide variant.
Coding change: c.503A>G on transcript NM_130839.5 (MANE Select); coding-DNA position 503, A replaced by G.
Protein change: p.Lys168Arg; replaces lysine 168 with arginine.
Molecular consequence: missense variant. On other transcripts: non-coding transcript variant (1), intron variant (2).
Genome position (GRCh38, 1-based): chr15:25,371,671, T>C on the plus strand (A>G on the coding strand, the complement: UBE3A is on the minus strand). VCF-style: chr15-25371671-T-C. GRCh37 (hg19) VCF-style: chr15-25616818-T-C.
Other names: c.512A>G, p.Lys171Arg (NM_000462.5); c.503A>G, p.Lys168Arg (NM_001354505.1, NM_001354538.2, NM_001354545.2); c.443A>G, p.Lys148Arg (NM_001354506.2, NM_001354507.2, NM_001354508.2 and 17 more transcripts); c.326A>G, p.Lys109Arg (NM_001354546.2); c.301+3794A>G (NM_001354551.2); c.361+3794A>G (NM_001354550.2); short protein forms K109R, K148R, K168R, K171R.
Identifiers: ClinVar variation 4536494 (VCV004536494.1).